The following is an entry in ClinVar:

NM_004855.5(PIGB):c.304G>A (p.Gly102Ser)

Gene: PIGB (phosphatidylinositol glycan anchor biosynthesis class B; plus strand). Cytogenetic location: 15q21.3.
Variant type: single nucleotide variant.
Coding change: c.304G>A on transcript NM_004855.5 (MANE Select); coding-DNA position 304, G replaced by A.
Protein change: p.Gly102Ser; replaces glycine 102 with serine.
Molecular consequence: missense variant.
Genome position (GRCh38, 1-based): chr15:55,321,277, G>A. VCF-style: chr15-55321277-G-A. GRCh37 (hg19) VCF-style: chr15-55613475-G-A.
Other names: short protein forms G102S.
Identifiers: ClinVar variation 2103314 (VCV002103314.5), dbSNP rs2055157116, ClinGen allele CA392541483.

ClinVar aggregate classification (germline): Uncertain significance. Review status: criteria provided, multiple submitters, no conflicts (2 of 4 stars). 2 submissions from 2 submitters: Uncertain significance (2). Last evaluated 2022-04-13.

Conditions:
Inborn genetic diseases. Identifiers: MedGen C0950123, MeSH D030342.

Allele frequency attached by ClinVar (database versions not stated): TOPMed below 0.00001.

Submissions (2):

Ambry Genetics
Classification: Uncertain significance for Inborn genetic diseases. Last evaluated: 2022-04-13. Review status: criteria provided, single submitter. Criteria: Ambry Variant Classification Scheme 2023. Collection method: clinical testing. Allele origin: germline.

Labcorp Genetics (formerly Invitae), Labcorp
Classification: Uncertain significance. Last evaluated: 2022-02-25. Review status: criteria provided, single submitter. Criteria: Invitae Variant Classification Sherloc (09022015). Collection method: clinical testing. Allele origin: germline.
Comment: This sequence change replaces glycine, which is neutral and non-polar, with serine, which is neutral and polar, at codon 102 of the PIGB protein (p.Gly102Ser). This variant is not present in population databases (gnomAD no frequency). This variant has not been reported in the literature in individuals affected with PIGB-related conditions. Algorithms developed to predict the effect of missense changes on protein structure and function are either unavailable or do not agree on the potential impact of this missense change (SIFT: "Tolerated"; PolyPhen-2: "Probably Damaging"; Align-GVGD: "Class C0"). In summary, the available evidence is currently insufficient to determine the role of this variant in disease. Therefore, it has been classified as a Variant of Uncertain Significance.